The following is an entry in ClinVar:

ClinVar aggregate classification (germline): Uncertain significance. Review status: criteria provided, multiple submitters, no conflicts (2 of 4 stars). 2 submissions from 2 submitters: Uncertain significance (2). Last evaluated 2025-11-19.

Conditions:
Inborn genetic diseases. Identifiers: MedGen C0950123, MeSH D030342.

Allele frequency attached by ClinVar (database versions not stated): TOPMed below 0.00001.
gnomAD v4.1: 3 of 1,611,436 alleles (0.00019%); highest among the groups gnomAD compares: South Asian, 0.0011%; no homozygotes.

Submissions (2):

Ambry Genetics
Classification: Uncertain significance for Inborn genetic diseases. Last evaluated: 2025-11-19. Review status: criteria provided, single submitter. Criteria: Ambry Variant Classification Scheme 2023. Collection method: clinical testing. Allele origin: germline.

Labcorp Genetics (formerly Invitae), Labcorp
Classification: Uncertain significance. Last evaluated: 2022-03-11. Review status: criteria provided, single submitter. Criteria: Invitae Variant Classification Sherloc (09022015). Collection method: clinical testing. Allele origin: germline.
Comment: In summary, the available evidence is currently insufficient to determine the role of this variant in disease. Therefore, it has been classified as a Variant of Uncertain Significance. Advanced modeling of protein sequence and biophysical properties (such as structural, functional, and spatial information, amino acid conservation, physicochemical variation, residue mobility, and thermodynamic stability) performed at Invitae indicates that this missense variant is expected to disrupt SI protein function. This variant has not been reported in the literature in individuals affected with SI-related conditions. This variant is not present in population databases (gnomAD no frequency). This sequence change replaces glycine, which is neutral and non-polar, with arginine, which is basic and polar, at codon 788 of the SI protein (p.Gly788Arg).

NM_001041.4(SI):c.2362G>A (p.Gly788Arg)

Gene: SI (sucrase-isomaltase; minus strand). Cytogenetic location: 3q26.1.
Variant type: single nucleotide variant.
Coding change: c.2362G>A on transcript NM_001041.4 (MANE Select); coding-DNA position 2362, G replaced by A.
Protein change: p.Gly788Arg; replaces glycine 788 with arginine.
Molecular consequence: missense variant.
Genome position (GRCh38, 1-based): chr3:165,037,964, C>T on the plus strand (G>A on the coding strand, the complement: SI is on the minus strand). VCF-style: chr3-165037964-C-T. GRCh37 (hg19) VCF-style: chr3-164755752-C-T.
Other names: c.2362G>A (NM_001041.3); short protein forms G788R.
Identifiers: ClinVar variation 2109258 (VCV002109258.4), dbSNP rs1042903450, ClinGen allele CA86535856.
Genomic context (GRCh38, chr3:165,037,964, plus strand): 5'-CTGTTGTTGTTACATCTGGTTCTTGAATGGGGATGATATAACCTCCTCTAAGATGTAATC[C>T]TATTTTGTCTGCTGGAAGATACATATCAACCCGTTGTTTCCTCCATGGCCTTTTTGCACC-3'
Protein context (NP_001032.2, residues 778-798): VDMYLPADKI[Gly788Arg]LHLRGGYIIP